The following is an entry in ClinVar:

ClinVar aggregate classification (germline): Uncertain significance (1 of 4 stars; one submission).

Conditions:
Aicardi-Goutieres syndrome 4. Identifiers: Orphanet 51, MedGen C1835912, MONDO:0012472, OMIM 610333.

Submission:

Labcorp Genetics (formerly Invitae), Labcorp
Classification: Uncertain significance for Aicardi-Goutieres syndrome 4. Last evaluated: 2022-03-08. Review status: criteria provided, single submitter. Criteria: Invitae Variant Classification Sherloc (09022015). Collection method: clinical testing. Allele origin: germline.
Comment: Algorithms developed to predict the effect of missense changes on protein structure and function (SIFT, PolyPhen-2, Align-GVGD) all suggest that this variant is likely to be tolerated. This variant has not been reported in the literature in individuals affected with RNASEH2A-related conditions. In summary, the available evidence is currently insufficient to determine the role of this variant in disease. Therefore, it has been classified as a Variant of Uncertain Significance. This variant is not present in population databases (gnomAD no frequency). This sequence change replaces arginine, which is basic and polar, with leucine, which is neutral and non-polar, at codon 286 of the RNASEH2A protein (p.Arg286Leu).

NM_006397.3(RNASEH2A):c.857G>T (p.Arg286Leu)

Gene: RNASEH2A (ribonuclease H2 subunit A; plus strand). Cytogenetic location: 19p13.13.
Variant type: single nucleotide variant.
Coding change: c.857G>T on transcript NM_006397.3 (MANE Select); coding-DNA position 857, G replaced by T.
Protein change: p.Arg286Leu; replaces arginine 286 with leucine.
Molecular consequence: missense variant.
Genome position (GRCh38, 1-based): chr19:12,813,423, G>T. VCF-style: chr19-12813423-G-T. GRCh37 (hg19) VCF-style: chr19-12924237-G-T.
Other names: short protein forms R286L.
Identifiers: ClinVar variation 1911893 (VCV001911893.5), dbSNP rs778842661, ClinGen allele CA404269939.